The following is an entry in ClinVar:

NM_000138.5(FBN1):c.537del (p.Asp180fs)

Gene: FBN1 (fibrillin 1; minus strand). Cytogenetic location: 15q21.1.
Variant type: Deletion.
Coding change: c.537del on transcript NM_000138.5 (MANE Select); coding-DNA position 537, one base deleted (A; older notation c.537delA).
Protein change: p.Asp180fs; shifts the reading frame from aspartic acid 180.
Molecular consequence: frameshift variant.
Genome position (GRCh38, 1-based): chr15:48,596,284, T deleted on the plus strand (A on the coding strand, the reverse complement: FBN1 is on the minus strand). VCF-style (leftmost placement, unchanged base first): chr15-48596283-CT-C. GRCh37 (hg19) VCF-style: chr15-48888480-CT-C.
Other names: c.537del, p.Asp180fs (NM_001406716.1, NM_001406717.1); short protein forms D180fs.
Identifiers: ClinVar variation 4843837 (VCV004843837.1).
Genomic context (GRCh38, chr15:48,596,283, plus strand): 5'-AATTAGTAACAGCTTTAGGTACCAGCATGTCTTTACGTAAATGATTTTAAAAACCATTAC[CT>C]CTTTCACACTGGGGTCCAGTAAATCCGTAAGTGCATGCACATCGATTTGGGGCCACACAC-3'

ClinVar aggregate classification (germline): Likely pathogenic (1 of 4 stars; one submission).

Conditions:
Familial thoracic aortic aneurysm and aortic dissection (TAAD). Also called: Thoracic aortic aneurysms and dissections. Identifiers: Orphanet 91387, MedGen C4707243, MONDO:0019625.

Submission:

Ambry Genetics
Classification: Likely pathogenic for Familial thoracic aortic aneurysm and aortic dissection. Last evaluated: 2026-01-14. Review status: criteria provided, single submitter. Criteria: Ambry Variant Classification Scheme 2023. Collection method: clinical testing. Allele origin: germline.
Comment: The c.537delA variant, located in coding exon 5 of the FBN1 gene, results from a deletion of one nucleotide at nucleotide position 537, causing a translational frameshift with a predicted alternate stop codon (p.D180Ifs*10). This variant was reported in individual(s) with features consistent with Marfan syndrome and related fibrillinopathies (Ambry internal data). This variant is considered to be rare based on population cohorts in the Genome Aggregation Database (gnomAD). This alteration is expected to result in loss of function by premature protein truncation or nonsense-mediated mRNA decay. Based on the majority of available evidence to date, this variant is likely to be pathogenic.